The following is an entry in ClinVar:

ClinVar aggregate classification (germline): Conflicting classifications of pathogenicity. Review status: criteria provided, conflicting classifications (1 of 4 stars). 3 submissions from 3 submitters: Uncertain significance (1); Benign (1); Likely benign (1). Last evaluated 2025-07-24.

Conditions:
Joubert syndrome. Also called: JOUBERT-BOLTSHAUSER SYNDROME; Familial aplasia of the vermis. Identifiers: Orphanet 475, MedGen C5979921, MONDO:0018772.
Orofaciodigital syndrome I (OFD1). Also called: OFDS I; Papillon-Leage and Psaume Syndrome; Oral-Facial-Digital Syndrome Type I. Identifiers: Orphanet 2750, MedGen C1510460, MONDO:0010702, OMIM 311200.
Simpson-Golabi-Behmel syndrome type 2. Identifiers: Orphanet 79022, MedGen C1846175, MONDO:0010265, OMIM 300209.
Joubert syndrome 10 (JBTS10). Identifiers: Orphanet 2754, MedGen C2749019, MONDO:0010431, OMIM 300804.
Retinitis pigmentosa 23 (RP23). Identifiers: Orphanet 791, MedGen C1419610, MONDO:0010320, OMIM 300424.
Primary ciliary dyskinesia. Also called: Ciliary dyskinesia. Identifiers: Orphanet 244, MedGen C0008780, MONDO:0016575, HP:0012265.

Allele frequency attached by ClinVar (database versions not stated): gnomAD 0.00004 and 0.00005; TOPMed 0.00004; ExAC 0.00002; gnomAD exomes 0.00003.
gnomAD v4.1: 21 of 1,143,326 alleles (0.0018%); highest among the groups gnomAD compares: South Asian, 0.0054%; no homozygotes.

Submissions (3):

Labcorp Genetics (formerly Invitae), Labcorp
Classification: Benign for Orofaciodigital syndrome I; Joubert syndrome. Last evaluated: 2025-07-24. Review status: criteria provided, single submitter. Criteria: Invitae Variant Classification Sherloc (09022015). Collection method: clinical testing. Allele origin: germline.

Fulgent Genetics
Classification: Likely benign for Simpson-Golabi-Behmel syndrome type 2; Retinitis pigmentosa 23; Joubert syndrome 10; Orofaciodigital syndrome I. Last evaluated: 2022-03-22. Review status: criteria provided, single submitter. Criteria: ACMG Guidelines, 2015. Collection method: clinical testing. Allele origin: unknown.

Ambry Genetics
Classification: Uncertain significance for Primary ciliary dyskinesia. Last evaluated: 2019-04-15. Review status: criteria provided, single submitter. Criteria: Ambry Variant Classification Scheme 2023. Collection method: clinical testing. Allele origin: germline.
Comment: The p.S165L variant (also known as c.494C>T), located in coding exon 6 of the OFD1 gene, results from a C to T substitution at nucleotide position 494. The serine at codon 165 is replaced by leucine, an amino acid with dissimilar properties. This amino acid position is not well conserved in available vertebrate species. In addition, this alteration is predicted to be tolerated by in silico analysis. Since supporting evidence is limited at this time, the clinical significance of this alteration remains unclear.

NM_003611.3(OFD1):c.494C>T (p.Ser165Leu)

Gene: OFD1 (OFD1 centriole and centriolar satellite protein; plus strand). Cytogenetic location: Xp22.2.
Variant type: single nucleotide variant.
Coding change: c.494C>T on transcript NM_003611.3 (MANE Select); coding-DNA position 494, C replaced by T.
Protein change: p.Ser165Leu; replaces serine 165 with leucine.
Molecular consequence: missense variant.
Genome position (GRCh38, 1-based): chrX:13,744,496, C>T. VCF-style: chrX-13744496-C-T. GRCh37 (hg19) VCF-style: chrX-13762615-C-T.
Other names: c.494C>T, p.Ser165Leu (NM_001330209.2); c.74C>T, p.Ser25Leu (NM_001330210.2); short protein forms S165L, S25L.
Identifiers: ClinVar variation 1167595 (VCV001167595.12), dbSNP rs756793358, ClinGen allele CA10351619.